The following is an entry in ClinVar:

ClinVar aggregate classification (germline): Likely benign (1 of 4 stars; one submission).

gnomAD v4.1: 1 of 1,613,962 alleles (0.000062%); no homozygotes.

Submission:

CeGaT Center for Human Genetics Tuebingen
Classification: Likely benign. Last evaluated: 2022-05-01. Review status: criteria provided, single submitter. Criteria: CeGaT Center For Human Genetics Tuebingen Variant Classification Criteria Version 2. Collection method: clinical testing. Allele origin: germline. Affected: yes. Observed: 1 variant allele.
Comment: TANC2: BP4, BP7

NM_001394998.1(TANC2):c.6168G>A (p.Arg2056=)

Gene: TANC2 (tetratricopeptide repeat, ankyrin repeat and coiled-coil containing 2; plus strand). Cytogenetic location: 17q23.3.
Variant type: single nucleotide variant.
Coding change: c.6168G>A on transcript NM_001394998.1 (MANE Select); coding-DNA position 6168, G replaced by A.
Protein change: p.Arg2056=; no amino-acid change (arginine 2056 retained).
Molecular consequence: synonymous variant.
Genome position (GRCh38, 1-based): chr17:63,421,898, G>A. VCF-style: chr17-63421898-G-A. GRCh37 (hg19) VCF-style: chr17-61499259-G-A.
Other names: c.5946G>A, p.Arg1982= (NM_001411076.1); c.5916G>A, p.Arg1972= (NM_025185.4).
Identifiers: ClinVar variation 2648075 (VCV002648075.24), dbSNP rs2147435289, ClinGen allele CA501178264.